The following is an entry in ClinVar:

NM_170784.3(MKKS):c.464G>A (p.Arg155His)

Gene: MKKS (MKKS centrosomal shuttling protein; minus strand). Cytogenetic location: 20p12.2.
Variant type: single nucleotide variant.
Coding change: c.464G>A on transcript NM_170784.3 (MANE Select); coding-DNA position 464, G replaced by A.
Protein change: p.Arg155His; replaces arginine 155 with histidine.
Molecular consequence: missense variant.
Genome position (GRCh38, 1-based): chr20:10,413,051, C>T on the plus strand (G>A on the coding strand, the complement: MKKS is on the minus strand). VCF-style: chr20-10413051-C-T. GRCh37 (hg19) VCF-style: chr20-10393699-C-T.
Other names: c.464G>A (NM_018848.2, NM_170784.2); c.464G>A, p.Arg155His (NM_018848.3); short protein forms R155H.
Identifiers: ClinVar variation 1038618 (VCV001038618.11), dbSNP rs138111422, ClinGen allele CA9763676.

ClinVar aggregate classification (germline): Uncertain significance. Review status: criteria provided, multiple submitters, no conflicts (2 of 4 stars). 6 submissions from 6 submitters: Uncertain significance (5). 1 of the submissions does not count toward it. Last evaluated 2024-11-21.

Conditions:
Inborn genetic diseases. Identifiers: MedGen C0950123, MeSH D030342.
Retinal dystrophy. Also called: Inherited retinal dystrophy. Identifiers: Orphanet 71862, MedGen C0854723, MeSH D058499, MONDO:0019118, HP:0000556.
MKKS-related disorder. Also called: MKKS-related disorders; MKKS-related condition.
McKusick-Kaufman syndrome (MKKS). Also called: HYDROMETROCOLPOS SYNDROME; HYDROMETROCOLPOS, POSTAXIAL POLYDACTYLY, AND CONGENITAL HEART MALFORMATION. Identifiers: Orphanet 2473, MedGen C0948368, MONDO:0009367, OMIM 236700.
Bardet-Biedl syndrome 6 (BBS6). Identifiers: Orphanet 110, MedGen C1858054, MONDO:0011523, OMIM 605231.
Bardet-Biedl syndrome (BBS). Identifiers: Orphanet 110, MedGen C0752166, MONDO:0015229.

Allele frequency attached by ClinVar (database versions not stated): ExAC 0.00001; ESP Exome Variant Server 0.00015; gnomAD exomes 0.00001; gnomAD 0.00003; TOPMed 0.00004.

Submissions (6):

Ambry Genetics
Classification: Uncertain significance for Inborn genetic diseases. Last evaluated: 2024-11-21. Review status: criteria provided, single submitter. Criteria: Ambry Variant Classification Scheme 2023. Collection method: clinical testing. Allele origin: germline.

PreventionGenetics, part of Exact Sciences
Classification: Uncertain significance for MKKS-related condition. Last evaluated: 2023-10-05. Review status: criteria provided, single submitter. Criteria: ACMG Guidelines, 2015. Collection method: clinical testing. Allele origin: germline.
Comment: The MKKS c.464G>A variant is predicted to result in the amino acid substitution p.Arg155His. To our knowledge, this variant has not been reported in the literature. This variant is reported in 0.0062% of alleles in individuals of African descent in gnomAD. Of note, a different amino acid substitution affecting the same amino acid (p.Arg155Leu) has been reported in an individual with Bardet-Biedl syndrome; however, a second variant was not identified (Slavotinek et al. 2002. PubMed ID: 12107442). At this time, the clinical significance of this variant is uncertain.

New York Genome Center
Classification: Uncertain significance for McKusick-Kaufman syndrome; Bardet-Biedl syndrome 6. Last evaluated: 2023-02-06. Review status: criteria provided, single submitter. Criteria: NYGC Assertion Criteria 2020. Collection method: clinical testing. Allele origin: germline. Observed: 1 heterozygote.

Fulgent Genetics
Classification: Uncertain significance for McKusick-Kaufman syndrome; Bardet-Biedl syndrome 6. Last evaluated: 2022-03-30. Review status: criteria provided, single submitter. Criteria: ACMG Guidelines, 2015. Collection method: clinical testing. Allele origin: unknown.

Labcorp Genetics (formerly Invitae), Labcorp
Classification: Uncertain significance for McKusick-Kaufman syndrome; Bardet-Biedl syndrome. Last evaluated: 2022-01-12. Review status: criteria provided, single submitter. Criteria: Invitae Variant Classification Sherloc (09022015). Collection method: clinical testing. Allele origin: germline.
Comment: This sequence change replaces arginine, which is basic and polar, with histidine, which is basic and polar, at codon 155 of the MKKS protein (p.Arg155His). This variant is present in population databases (rs138111422, gnomAD 0.003%). This variant has not been reported in the literature in individuals affected with MKKS-related conditions. ClinVar contains an entry for this variant (Variation ID: 1038618). Algorithms developed to predict the effect of missense changes on protein structure and function output the following: SIFT: "Tolerated"; PolyPhen-2: "Benign"; Align-GVGD: "Class C0". The histidine amino acid residue is found in multiple mammalian species, which suggests that this missense change does not adversely affect protein function. In summary, the available evidence is currently insufficient to determine the role of this variant in disease. Therefore, it has been classified as a Variant of Uncertain Significance.

Institute of Human Genetics, Univ. Regensburg, Univ. Regensburg
Classification: Uncertain significance for Retinal dystrophy. Last evaluated: 2023-01-01. Review status: no assertion criteria provided. Criteria: ACMG Guidelines, 2015. Collection method: clinical testing. Allele origin: germline. Affected: yes. Not counted in ClinVar's aggregate classification.